The following is an entry in ClinVar:

ClinVar aggregate classification (germline): Uncertain significance. Review status: criteria provided, multiple submitters, no conflicts (2 of 4 stars). 2 submissions from 2 submitters: Uncertain significance (2). Last evaluated 2026-05-14.

Conditions:
FANCA-related disorder. Also called: FANCA-related condition.
Inborn genetic diseases. Identifiers: MedGen C0950123, MeSH D030342.

Submissions (2):

Ambry Genetics
Classification: Uncertain significance for Inborn genetic diseases. Last evaluated: 2026-05-14. Review status: criteria provided, single submitter. Criteria: Ambry Variant Classification Scheme 2023. Collection method: clinical testing. Allele origin: germline.
Comment: The p.A1370V variant (also known as c.4109C>T), located in coding exon 41 of the FANCA gene, results from a C to T substitution at nucleotide position 4109. The alanine at codon 1370 is replaced by valine, an amino acid with similar properties. This amino acid position is conserved. In addition, the in silico prediction for this alteration is inconclusive. Based on the available evidence, the clinical significance of this variant remains unclear.

PreventionGenetics, part of Exact Sciences
Classification: Uncertain significance for FANCA-related condition. Last evaluated: 2023-02-22. Review status: criteria provided, single submitter. Criteria: ACMG Guidelines, 2015. Collection method: clinical testing. Allele origin: germline.
Comment: The FANCA c.4109C>T variant is predicted to result in the amino acid substitution p.Ala1370Val. To our knowledge, this variant has not been reported in the literature or in a large population database, indicating this variant is rare. At this time, the clinical significance of this variant is uncertain due to the absence of conclusive functional and genetic evidence.

NM_000135.4(FANCA):c.4109C>T (p.Ala1370Val)

Genes: FANCA (FA complementation group A; minus strand), ZNF276 (zinc finger protein 276; plus strand). Cytogenetic location: 16q24.3.
Variant type: single nucleotide variant.
Coding change: c.4109C>T on transcript NM_000135.4 (MANE Select); coding-DNA position 4109, C replaced by T.
Protein change: p.Ala1370Val; replaces alanine 1370 with valine.
Molecular consequence: missense variant. On other transcripts: 3 prime UTR variant (2), non-coding transcript variant (4).
Genome position (GRCh38, 1-based): chr16:89,739,191, G>A on the plus strand (C>T on the coding strand, the complement: FANCA is on the minus strand). VCF-style: chr16-89739191-G-A. GRCh37 (hg19) VCF-style: chr16-89805599-G-A.
Other names: c.4109C>T, p.Ala1370Val (NM_001286167.3); c.*945G>A (NM_001113525.2, NM_152287.4); short protein forms A1370V.
Identifiers: ClinVar variation 2630461 (VCV002630461.2), dbSNP rs1005560269, ClinGen allele CA397484369.